The following is an entry in ClinVar:

NM_001025603.2(RFX5):c.233+1G>T

Gene: RFX5 (regulatory factor X5; minus strand). Cytogenetic location: 1q21.3.
Variant type: single nucleotide variant.
Coding change: c.233+1G>T on transcript NM_001025603.2 (MANE Select); the canonical splice donor site of the intron after coding-DNA position 233, G replaced by T.
Molecular consequence: splice donor variant.
Genome position (GRCh38, 1-based): chr1:151,345,105, C>A on the plus strand (G>T on the coding strand, the complement: RFX5 is on the minus strand). VCF-style: chr1-151345105-C-A. GRCh37 (hg19) VCF-style: chr1-151317581-C-A.
Other names: c.233+1G>T (NM_001379419.1, NM_000449.4, NM_001379413.1 and 7 more transcripts).
Identifiers: ClinVar variation 2445905 (VCV002445905.1), dbSNP rs922151130, ClinGen allele CA29560257.

ClinVar aggregate classification (germline): Likely pathogenic (1 of 4 stars; one submission).

Conditions:
MHC class II deficiency. Also called: Bare lymphocyte syndrome 2; BLS, TYPE II. Identifiers: Orphanet 572, MedGen C5447452, MONDO:0008855.

Allele frequency attached by ClinVar (database versions not stated): gnomAD 0.00001; gnomAD exomes 0.00001; TOPMed 0.00001.
gnomAD v4.1: 12 of 1,613,586 alleles (0.00074%); highest among the groups gnomAD compares: African/African-American, 0.0027%; no homozygotes.

Submission:

Women's Health and Genetics/Laboratory Corporation of America, LabCorp
Classification: Likely pathogenic for MHC class II deficiency. Last evaluated: 2023-02-19. Review status: criteria provided, single submitter. Criteria: LabCorp Variant Classification Summary - May 2015. Collection method: clinical testing. Allele origin: germline.
Comment: Variant summary: RFX5 c.233+1G>T is located in a canonical splice-site and is predicted to affect mRNA splicing resulting in a significantly altered protein due to either exon skipping, shortening, or inclusion of intronic material. Several computational tools predict a significant impact on normal splicing: Four predict the variant abolishes the canonical 5' splicing donor site. However, these predictions have yet to be confirmed by functional studies. The variant was absent in 251476 control chromosomes (gnomAD). To our knowledge, no occurrence of c.233+1G>T in individuals affected with Bare Lymphocyte Syndrome 2 - RFX5 Related and no experimental evidence demonstrating its impact on protein function have been reported. No clinical diagnostic laboratories have submitted clinical-significance assessments for this variant to ClinVar after 2014. Based on the evidence outlined above, the variant was classified as likely pathogenic.